The following is an entry in ClinVar:

ClinVar aggregate classification (germline): Benign (1 of 4 stars; one submission).

Conditions:
Leigh syndrome (NULS). Also called: Leigh's necrotizing encephalopathy; Leigh's disease; Leigh Syndrome (mtDNA deletion); Leigh Disease; Subacute necrotizing encephalopathy; Necrotizing encephalopathy infantile subacute of Leigh. Identifiers: Orphanet 506, MedGen C2931891, MONDO:0009723, OMIM 256000.

Submission:

Wong Mito Lab, Molecular and Human Genetics, Baylor College of Medicine
Classification: Benign for Leigh syndrome. Last evaluated: 2019-10-17. Review status: criteria provided, single submitter. Criteria: Modified ACMG Guidelines (Unpublished). Collection method: clinical testing. Allele origin: germline.
Comment: The NC_012920.1:m.4639T>C (YP_003024027.1:p.Ile57Thr) variant in MTND2 gene is interpretated to be a Benign variant based on the modified ACMG guidelines (unpublished). This variant meets the following evidence codes: BS1, BS2, BS4

NC_012920.1(MT-ND2):m.4639T>C

Gene: MT-ND2 (mitochondrially encoded NADH dehydrogenase 2; plus strand).
Variant type: single nucleotide variant.
Genome position: chrM-4639-T-C.
Identifiers: ClinVar variation 692471 (VCV000692471.1), dbSNP rs41510547, ClinGen allele CA337096925.